The following is an entry in ClinVar:

NM_000123.4(ERCC5):c.1259G>A (p.Arg420His)

Genes: BIVM-ERCC5 (BIVM-ERCC5 readthrough; plus strand), ERCC5 (ERCC excision repair 5, endonuclease; plus strand). Cytogenetic location: 13q33.1.
Variant type: single nucleotide variant.
Coding change: c.1259G>A on transcript NM_000123.4 (MANE Select); coding-DNA position 1259, G replaced by A.
Protein change: p.Arg420His; replaces arginine 420 with histidine.
Molecular consequence: missense variant.
Genome position (GRCh38, 1-based): chr13:102,862,408, G>A. VCF-style: chr13-102862408-G-A. GRCh37 (hg19) VCF-style: chr13-103514758-G-A.
Other names: c.2621G>A, p.Arg874His (NM_001204425.2); short protein forms R420H, R874H.
Identifiers: ClinVar variation 134193 (VCV000134193.18), dbSNP rs143667470, ClinGen allele CA159073.

ClinVar aggregate classification (germline): Conflicting classifications of pathogenicity. Review status: criteria provided, conflicting classifications (1 of 4 stars). 7 submissions from 7 submitters: Uncertain significance (1); Likely benign (3). 3 of the submissions do not count toward it. Last evaluated 2026-01-24.

Conditions:
ERCC5-related disorder. Also called: ERCC5-related condition.
Hereditary cancer-predisposing syndrome. Also called: Neoplastic Syndromes, Hereditary; Tumor predisposition; Hereditary Cancer Syndrome; Hereditary neoplastic syndrome. Identifiers: Orphanet 140162, MedGen C0027672, MeSH D009386, MONDO:0015356.
Xeroderma pigmentosum, group G (XPG). Also called: XERODERMA PIGMENTOSUM VII; XP, GROUP G; ERCC5-Related Xeroderma Pigmentosum; Xeroderma pigmentosum type 7. Identifiers: MedGen C0268141, MONDO:0010216, OMIM 278780.

Allele frequency attached by ClinVar (database versions not stated): 1000 Genomes Project 0.00060; TOPMed 0.00076; 1000 Genomes Project 30x 0.00078; ESP Exome Variant Server 0.00085.

Submissions (7):

Labcorp Genetics (formerly Invitae), Labcorp
Classification: Likely benign. Last evaluated: 2026-01-24. Review status: criteria provided, single submitter. Criteria: Invitae Variant Classification Sherloc (09022015). Collection method: clinical testing. Allele origin: germline.

PreventionGenetics, part of Exact Sciences
Classification: Likely benign for ERCC5-related condition. Last evaluated: 2025-12-26. Review status: criteria provided, single submitter. Criteria: ACMG Guidelines, 2015. Collection method: clinical testing. Allele origin: germline.
Comment: This variant is classified as likely benign based on ACMG/AMP sequence variant interpretation guidelines (Richards et al. 2015 PMID: 25741868, with internal and published modifications).

Sema4
Classification: Likely benign for Hereditary cancer-predisposing syndrome. Last evaluated: 2020-11-11. Review status: criteria provided, single submitter. Criteria: Sema4 Curation Guidelines. Collection method: curation. Allele origin: germline.

Illumina Laboratory Services, Illumina
Classification: Uncertain significance for Xeroderma pigmentosum, group G. Last evaluated: 2018-01-13. Review status: criteria provided, single submitter. Criteria: ICSL Variant Classification Criteria 13 December 2019. Collection method: clinical testing. Allele origin: germline.

ITMI
No classification provided. Condition: AllHighlyPenetrant. Last evaluated: 2013-09-19. Review status: no classification provided. Collection method: reference population. Allele origin: germline. Not counted in ClinVar's aggregate classification.
Comment: Please see associated publication for description of ethnicities

Clinical Genetics DNA and cytogenetics Diagnostics Lab, Erasmus MC, Erasmus Medical Center
Classification: Likely benign. Review status: no assertion criteria provided. Collection method: clinical testing. Allele origin: germline. Affected: yes. Study: VKGL Data-share Consensus. Not counted in ClinVar's aggregate classification.

Genome Diagnostics Laboratory, Amsterdam University Medical Center
Classification: Likely benign. Review status: no assertion criteria provided. Collection method: clinical testing. Allele origin: germline. Affected: yes. Study: VKGL Data-share Consensus. Not counted in ClinVar's aggregate classification.

Literature cited by the submitters: PubMed 24728327 (cited by ITMI).